The following is an entry in ClinVar:

NM_018136.5(ASPM):c.718dup (p.Ser240fs)

Gene: ASPM (assembly factor for spindle microtubules; minus strand). Cytogenetic location: 1q31.3.
Variant type: Duplication.
Coding change: c.718dup on transcript NM_018136.5 (MANE Select); coding-DNA position 718, one base duplicated (T; older notation c.718dupT).
Protein change: p.Ser240fs; shifts the reading frame from serine 240.
Molecular consequence: frameshift variant.
Genome position (GRCh38, 1-based): chr1:197,143,534, A duplicated on the plus strand (T on the coding strand, the reverse complement: ASPM is on the minus strand). VCF-style (leftmost placement, unchanged base first): chr1-197143533-G-GA. GRCh37 (hg19) VCF-style: chr1-197112663-G-GA.
Other names: c.718dup, p.Ser240fs (NM_001206846.2); short protein forms S240fs.
Identifiers: ClinVar variation 3023119 (VCV003023119.3), dbSNP rs2527405766, ClinGen allele CA2740090301.

ClinVar aggregate classification (germline): Pathogenic (1 of 4 stars; one submission).

Submission:

Labcorp Genetics (formerly Invitae), Labcorp
Classification: Pathogenic. Last evaluated: 2024-05-27. Review status: criteria provided, single submitter. Criteria: Invitae Variant Classification Sherloc (09022015). Collection method: clinical testing. Allele origin: germline.
Comment: This sequence change creates a premature translational stop signal (p.Ser240Phefs*17) in the ASPM gene. It is expected to result in an absent or disrupted protein product. Loss-of-function variants in ASPM are known to be pathogenic (PMID: 19028728, 23611254). This variant is not present in population databases (gnomAD no frequency). This variant has not been reported in the literature in individuals affected with ASPM-related conditions. For these reasons, this variant has been classified as Pathogenic.

Literature cited by the submitters: PubMed 19028728; PubMed 23611254.